The following is an entry in ClinVar:

ClinVar aggregate classification (germline): Uncertain significance (1 of 4 stars; one submission).

Submission:

Ambry Genetics
Classification: Uncertain significance. Last evaluated: 2024-09-25. Review status: criteria provided, single submitter. Criteria: Ambry Variant Classification Scheme 2023. Collection method: clinical testing. Allele origin: germline.
Comment: The p.S992G variant (also known as c.2974A>G), located in coding exon 18 of the MYOM1 gene, results from an A to G substitution at nucleotide position 2974. The serine at codon 992 is replaced by glycine, an amino acid with similar properties. This amino acid position is conserved. In addition, this alteration is predicted to be tolerated by in silico analysis. Based on the available evidence, the clinical significance of this variant remains unclear.

NM_003803.4(MYOM1):c.2974A>G (p.Ser992Gly)

Gene: MYOM1 (myomesin 1; minus strand). Cytogenetic location: 18p11.31.
Variant type: single nucleotide variant.
Coding change: c.2974A>G on transcript NM_003803.4 (MANE Select); coding-DNA position 2974, A replaced by G.
Protein change: p.Ser992Gly; replaces serine 992 with glycine.
Molecular consequence: missense variant.
Genome position (GRCh38, 1-based): chr18:3,126,718, T>C on the plus strand (A>G on the coding strand, the complement: MYOM1 is on the minus strand). VCF-style: chr18-3126718-T-C. GRCh37 (hg19) VCF-style: chr18-3126716-T-C.
Other names: c.2686A>G, p.Ser896Gly (NM_019856.2); short protein forms S992G, S896G.
Identifiers: ClinVar variation 3401855 (VCV003401855.1).